The following is an entry in ClinVar:

NM_001042492.3(NF1):c.1490T>G (p.Val497Gly)

Gene: NF1 (neurofibromin 1; plus strand). Cytogenetic location: 17q11.2.
Variant type: single nucleotide variant.
Coding change: c.1490T>G on transcript NM_001042492.3 (MANE Select); coding-DNA position 1490, T replaced by G.
Protein change: p.Val497Gly; replaces valine 497 with glycine.
Molecular consequence: missense variant.
Genome position (GRCh38, 1-based): chr17:31,214,548, T>G. VCF-style: chr17-31214548-T-G. GRCh37 (hg19) VCF-style: chr17-29541566-T-G.
Other names: c.1490T>G, p.Val497Gly (NM_000267.4, NM_001128147.3); short protein forms V497G.
Identifiers: ClinVar variation 3879142 (VCV003879142.1).
Genomic context (GRCh38, chr17:31,214,548, plus strand): 5'-TTAAAGAAAAACCTACAGACCTGGAGACAAGAAGCTATAAGTATCTTCTCTTGTCCATGG[T>G]GAAACTAATTCATGCAGATCCAAAGCTCTTGCTTTGTGTAAGTATTTTTTTATGAAATGT-3'
Protein context (NP_001035957.1, residues 487-507): RSYKYLLLSM[Val497Gly]KLIHADPKLL

ClinVar aggregate classification (germline): Uncertain significance (1 of 4 stars; one submission).

Conditions:
Cardiovascular phenotype. Identifiers: MedGen CN230736.
Hereditary cancer-predisposing syndrome. Also called: Tumor predisposition; Neoplastic Syndromes, Hereditary; Hereditary Cancer Syndrome; Hereditary neoplastic syndrome. Identifiers: Orphanet 140162, MedGen C0027672, MeSH D009386, MONDO:0015356.

Submission:

Ambry Genetics
Classification: Uncertain significance for Cardiovascular phenotype; Hereditary cancer-predisposing syndrome. Last evaluated: 2025-03-02. Review status: criteria provided, single submitter. Criteria: Ambry Variant Classification Scheme 2023. Collection method: clinical testing. Allele origin: germline.
Comment: The p.V497G variant (also known as c.1490T>G), located in coding exon 13 of the NF1 gene, results from a T to G substitution at nucleotide position 1490. The valine at codon 497 is replaced by glycine, an amino acid with dissimilar properties. This amino acid position is conserved. In addition, the in silico prediction for this alteration is inconclusive. Based on the available evidence, the clinical significance of this variant remains unclear.